The following is an entry in ClinVar:

ClinVar aggregate classification (germline): Likely pathogenic (1 of 4 stars; one submission).

Conditions:
Nance-Horan syndrome (NHS). Identifiers: Orphanet 627, MedGen C0796085, MONDO:0010545, OMIM 302350.
Cataract 40 (CTRCT40). Also called: Cataract 40, X-linked; CATARACT, CONGENITAL TOTAL, WITH POSTERIOR SUTURAL OPACITIES IN HETEROZYGOTES; CATARACT 40 WITH OR WITHOUT MICROCORNEA. Identifiers: Orphanet 91492, MedGen C4049004, MONDO:0010544, OMIM 302200.

Submission:

Juno Genomics, Hangzhou Juno Genomics, Inc
Classification: Likely pathogenic for Cataract 40; Nance-Horan syndrome. Review status: criteria provided, single submitter. Criteria: ACMG Guidelines, 2015. Collection method: clinical testing. Allele origin: germline. Affected: yes.
Comment: Absent from controls (or at extremely low frequency if recessive) in Genome Aggregation Database, Exome Sequencing Project, 1000 Genomes Project, or Exome Aggregation Consortium.;Null variant in a gene where loss of function (LOF) is a known mechanism of disease.

NM_001291867.2(NHS):c.906G>A (p.Trp302Ter)

Gene: NHS (NHS actin remodeling regulator; plus strand). Cytogenetic location: Xp22.13.
Variant type: single nucleotide variant.
Coding change: c.906G>A on transcript NM_001291867.2 (MANE Select); coding-DNA position 906, G replaced by A.
Protein change: p.Trp302Ter; replaces tryptophan 302 with a stop codon.
Molecular consequence: nonsense. On other transcripts: intron variant (2).
Genome position (GRCh38, 1-based): chrX:17,719,397, G>A. VCF-style: chrX-17719397-G-A. GRCh37 (hg19) VCF-style: chrX-17737517-G-A.
Other names: c.375G>A, p.Trp125Ter (NM_001136024.4); c.853-2044G>A (NM_198270.4); c.322-2044G>A (NM_001291868.2); short protein forms W125*, W302*.
Identifiers: ClinVar variation 3899372 (VCV003899372.2).